The following is an entry in ClinVar:

ClinVar aggregate classification (germline): Uncertain significance (1 of 4 stars; one submission).

Conditions:
RPGRIP1L-related disorder. Also called: RPGRIP1L-related disorders; RPGRIP1L-related condition. Identifiers: MedGen CN239416.

gnomAD v4.1: 2 of 1,613,964 alleles (0.00012%); highest among the groups gnomAD compares: Non-Finnish European, 0.00017%; no homozygotes.

Submission:

PreventionGenetics, part of Exact Sciences
Classification: Uncertain significance for RPGRIP1L-related condition. Last evaluated: 2026-04-15. Review status: criteria provided, single submitter. Criteria: ACMG Guidelines, 2015. Collection method: clinical testing. Allele origin: germline.
Comment: The RPGRIP1L c.2813G>C variant is predicted to result in the amino acid substitution p.Ser938Thr. To our knowledge, this variant has not been reported in the literature. This variant is reported in 0.0016% of alleles in individuals of European (Non-Finnish) descent in gnomAD. At this time, the clinical significance of this variant is uncertain due to the absence of conclusive functional and genetic evidence.

NM_015272.5(RPGRIP1L):c.2813G>C (p.Ser938Thr)

Gene: RPGRIP1L (RPGRIP1 like; minus strand). Cytogenetic location: 16q12.2.
Variant type: single nucleotide variant.
Coding change: c.2813G>C on transcript NM_015272.5 (MANE Select); coding-DNA position 2813, G replaced by C.
Protein change: p.Ser938Thr; replaces serine 938 with threonine.
Molecular consequence: missense variant.
Genome position (GRCh38, 1-based): chr16:53,641,346, C>G on the plus strand (G>C on the coding strand, the complement: RPGRIP1L is on the minus strand). VCF-style: chr16-53641346-C-G. GRCh37 (hg19) VCF-style: chr16-53675258-C-G.
Other names: c.2813G>C, p.Ser938Thr (NM_001127897.4, NM_001308334.3, NM_001330538.2); short protein forms S938T.
Identifiers: ClinVar variation 4984675 (VCV004984675.1).